The following is an entry in ClinVar:

ClinVar aggregate classification (germline): Pathogenic. Review status: criteria provided, multiple submitters, no conflicts (2 of 4 stars). 3 submissions from 3 submitters: Pathogenic (3). Last evaluated 2024-01-09.

Conditions:
Familial cancer of breast. Also called: hereditary breast carcinoma; BREAST CANCER, FAMILIAL; Hereditary breast cancer. Identifiers: Orphanet 227535, MedGen C0346153, MONDO:0016419, OMIM 114480. Disease mechanism: loss of function.
Hereditary cancer-predisposing syndrome. Also called: Neoplastic Syndromes, Hereditary; Hereditary Cancer Syndrome; Hereditary neoplastic syndrome; Tumor predisposition. Identifiers: Orphanet 140162, MedGen C0027672, MeSH D009386, MONDO:0015356.
Ataxia-telangiectasia syndrome (AT). Also called: ATAXIA-TELANGIECTASIA, COMPLEMENTATION GROUP A; ATAXIA-TELANGIECTASIA, FRESNO VARIANT; Ataxia-telangiectasia, complementation group E; Ataxia telangiectasia (A-T); LOUIS-BAR SYNDROME; Cerebello-oculocutaneous telangiectasia. Identifiers: Orphanet 100, MedGen C0004135, MONDO:0008840, OMIM 208900.

Submissions (3):

Myriad Genetics, Inc.
Classification: Pathogenic for Familial cancer of breast. Last evaluated: 2024-01-09. Review status: criteria provided, single submitter. Criteria: Myriad Autosomal Dominant, Autosomal Recessive and X-Linked Classification Criteria (2023). Collection method: clinical testing. Allele origin: unknown.
Comment: This variant is considered pathogenic. This variant creates a frameshift predicted to result in premature protein truncation.

Ambry Genetics
Classification: Pathogenic for Hereditary cancer-predisposing syndrome. Last evaluated: 2023-10-31. Review status: criteria provided, single submitter. Criteria: Ambry Variant Classification Scheme 2023. Collection method: clinical testing. Allele origin: germline.
Comment: The c.704delC pathogenic mutation, located in coding exon 6 of the ATM gene, results from a deletion of one nucleotide at nucleotide position 704, causing a translational frameshift with a predicted alternate stop codon (p.A235Vfs*20). This alteration is expected to result in loss of function by premature protein truncation or nonsense-mediated mRNA decay. As such, this alteration is interpreted as a disease-causing mutation.

Labcorp Genetics (formerly Invitae), Labcorp
Classification: Pathogenic for Ataxia-telangiectasia syndrome. Last evaluated: 2021-11-01. Review status: criteria provided, single submitter. Criteria: Invitae Variant Classification Sherloc (09022015). Collection method: clinical testing. Allele origin: germline.
Comment: Algorithms developed to predict the effect of sequence changes on RNA splicing suggest that this variant may create or strengthen a splice site. ClinVar contains an entry for this variant (Variation ID: 826799). This variant has not been reported in the literature in individuals affected with ATM-related conditions. This variant is not present in population databases (gnomAD no frequency). This sequence change creates a premature translational stop signal (p.Ala235Valfs*20) in the ATM gene. It is expected to result in an absent or disrupted protein product. Loss-of-function variants in ATM are known to be pathogenic (PMID: 23807571, 25614872). For these reasons, this variant has been classified as Pathogenic.

Literature cited by the submitters: PubMed 23807571 (cited by Labcorp Genetics (formerly Invitae), Labcorp); PubMed 25614872 (cited by Labcorp Genetics (formerly Invitae), Labcorp).

NM_000051.4(ATM):c.704del (p.Ala235fs)

Gene: ATM (ATM serine/threonine kinase; plus strand). Cytogenetic location: 11q22.3.
Variant type: Deletion.
Coding change: c.704del on transcript NM_000051.4 (MANE Select); coding-DNA position 704, one base deleted (C; older notation c.704delC).
Protein change: p.Ala235fs; shifts the reading frame from alanine 235.
Molecular consequence: frameshift variant.
Genome position (GRCh38, 1-based): chr11:108,244,829, C deleted. VCF-style (leftmost placement, unchanged base first): chr11-108244828-GC-G. GRCh37 (hg19) VCF-style: chr11-108115555-GC-G.
Other names: c.704del, p.Ala235fs (NM_001351834.2); short protein forms A235fs.
Identifiers: ClinVar variation 826799 (VCV000826799.10), dbSNP rs1591503565, ClinGen allele CA915947724.
Genomic context (GRCh38, chr11:108,244,828, plus strand): 5'-GCTTGTTTGTTTCTTCACAGACAAGAAAAGAGCTCTTCAGGTCTAAATCATATCTTAGCA[GC>G]TCTTACTATCTTCCTCAAGACTTTGGCTGTCAACTTTCGAATTCGAGTGTGTGAATTAGG-3'